The following is an entry in ClinVar:

ClinVar aggregate classification (germline): Uncertain significance. Review status: criteria provided, multiple submitters, no conflicts (2 of 4 stars). 3 submissions from 3 submitters: Uncertain significance (3). Last evaluated 2024-09-19.

Conditions:
Fanconi anemia (FA). Also called: Fanconi's anemia. Identifiers: Orphanet 84, MedGen C0015625, MeSH D005199, MONDO:0019391.

Allele frequency attached by ClinVar (database versions not stated): gnomAD exomes 0.00004 and 0.00005; ExAC 0.00005; gnomAD 0.00007; TOPMed 0.00015.
gnomAD v4.1: 90 of 1,614,052 alleles (0.0056%); highest among the groups gnomAD compares: Admixed American, 0.032%; no homozygotes.

Submissions (3):

Blueprint Genetics
Classification: Uncertain significance. Last evaluated: 2024-09-19. Review status: criteria provided, single submitter. Criteria: ACMG Guidelines, 2015. Collection method: clinical testing. Allele origin: germline.

Genetic Services Laboratory, University of Chicago
Classification: Uncertain significance. Last evaluated: 2023-09-08. Review status: criteria provided, single submitter. Criteria: ACMG Guidelines, 2015. Collection method: clinical testing. Allele origin: germline. Affected: no.
Comment: DNA sequence analysis of the FANCI gene demonstrated a sequence change, c.3481A>G, in exon 32 that results in an amino acid change, p.Thr1161Ala. This sequence change does not appear to have been previously described in individuals with FANCI-related disorders. This sequence change has been described in the gnomAD database with a frequency of 0.02% in the Latino subpopulation (dbSNP rs767847271). The p.Thr1161Ala change affects a moderately conserved amino acid residue located in a domain of the FANCI protein that is not known to be functional. The p.Thr1161Ala substitution appears to be benign/possibly benign using several in-silico pathogenicity prediction tools (SIFT, PolyPhen2, Align GVGD, REVEL). Due to insufficient evidence and the lack of functional studies, the clinical significance of the p.Thr1161Ala change remains unknown at this time.

Labcorp Genetics (formerly Invitae), Labcorp
Classification: Uncertain significance for Fanconi anemia. Last evaluated: 2022-10-13. Review status: criteria provided, single submitter. Criteria: Invitae Variant Classification Sherloc (09022015). Collection method: clinical testing. Allele origin: germline.
Comment: This sequence change replaces threonine, which is neutral and polar, with alanine, which is neutral and non-polar, at codon 1161 of the FANCI protein (p.Thr1161Ala). This variant is present in population databases (rs767847271, gnomAD 0.02%). This variant has not been reported in the literature in individuals affected with FANCI-related conditions. ClinVar contains an entry for this variant (Variation ID: 945591). Advanced modeling of protein sequence and biophysical properties (such as structural, functional, and spatial information, amino acid conservation, physicochemical variation, residue mobility, and thermodynamic stability) performed at Invitae indicates that this missense variant is not expected to disrupt FANCI protein function. In summary, the available evidence is currently insufficient to determine the role of this variant in disease. Therefore, it has been classified as a Variant of Uncertain Significance.

NM_001113378.2(FANCI):c.3481A>G (p.Thr1161Ala)

Gene: FANCI (FA complementation group I; plus strand). Cytogenetic location: 15q26.1.
Variant type: single nucleotide variant.
Coding change: c.3481A>G on transcript NM_001113378.2 (MANE Select); coding-DNA position 3481, A replaced by G.
Protein change: p.Thr1161Ala; replaces threonine 1161 with alanine.
Molecular consequence: missense variant.
Genome position (GRCh38, 1-based): chr15:89,306,138, A>G. VCF-style: chr15-89306138-A-G. GRCh37 (hg19) VCF-style: chr15-89849369-A-G.
Other names: c.3202A>G, p.Thr1068Ala (NM_001376910.1); c.3481A>G, p.Thr1161Ala (NM_001376911.1); c.3301A>G, p.Thr1101Ala (NM_018193.3); short protein forms T1068A, T1101A, T1161A.
Identifiers: ClinVar variation 945591 (VCV000945591.10), dbSNP rs767847271, ClinGen allele CA7723729.